The following is an entry in ClinVar:

NM_003998.4(NFKB1):c.2336T>C (p.Met779Thr)

Gene: NFKB1 (nuclear factor kappa B subunit 1; plus strand). Cytogenetic location: 4q24.
Variant type: single nucleotide variant.
Coding change: c.2336T>C on transcript NM_003998.4 (MANE Select); coding-DNA position 2336, T replaced by C.
Protein change: p.Met779Thr; replaces methionine 779 with threonine.
Molecular consequence: missense variant.
Genome position (GRCh38, 1-based): chr4:102,610,683, T>C. VCF-style: chr4-102610683-T-C. GRCh37 (hg19) VCF-style: chr4-103531840-T-C.
Other names: c.2333T>C, p.Met778Thr (NM_001165412.2, NM_001319226.2, NM_001382627.1); c.2336T>C, p.Met779Thr (NM_001382625.1, NM_001382626.1); c.2294T>C, p.Met765Thr (NM_001382628.1); short protein forms M778T, M765T, M779T.
Identifiers: ClinVar variation 3691898 (VCV003691898.2).

ClinVar aggregate classification (germline): Uncertain significance (1 of 4 stars; one submission).

gnomAD v4.1: 4 of 1,614,056 alleles (0.00025%); highest among the groups gnomAD compares: Non-Finnish European, 0.00034%; no homozygotes.

Submission:

Labcorp Genetics (formerly Invitae), Labcorp
Classification: Uncertain significance. Last evaluated: 2024-10-27. Review status: criteria provided, single submitter. Criteria: Invitae Variant Classification Sherloc (09022015). Collection method: clinical testing. Allele origin: germline.
Comment: This sequence change replaces methionine, which is neutral and non-polar, with threonine, which is neutral and polar, at codon 779 of the NFKB1 protein (p.Met779Thr). This variant is not present in population databases (gnomAD no frequency). This variant has not been reported in the literature in individuals affected with NFKB1-related conditions. Invitae Evidence Modeling of protein sequence and biophysical properties (such as structural, functional, and spatial information, amino acid conservation, physicochemical variation, residue mobility, and thermodynamic stability) indicates that this missense variant is not expected to disrupt NFKB1 protein function with a negative predictive value of 80%. In summary, the available evidence is currently insufficient to determine the role of this variant in disease. Therefore, it has been classified as a Variant of Uncertain Significance.